The following is an entry in ClinVar:

ClinVar aggregate classification (germline): Uncertain significance (1 of 4 stars; one submission).

Submission:

Labcorp Genetics (formerly Invitae), Labcorp
Classification: Uncertain significance. Last evaluated: 2022-04-01. Review status: criteria provided, single submitter. Criteria: Invitae Variant Classification Sherloc (09022015). Collection method: clinical testing. Allele origin: germline.
Comment: In summary, the available evidence is currently insufficient to determine the role of this variant in disease. Therefore, it has been classified as a Variant of Uncertain Significance. Algorithms developed to predict the effect of missense changes on protein structure and function are either unavailable or do not agree on the potential impact of this missense change (SIFT: "Deleterious"; PolyPhen-2: "Probably Damaging"; Align-GVGD: "Class C0"). This variant has not been reported in the literature in individuals affected with NKX6-2-related conditions. The frequency data for this variant in the population databases is considered unreliable, as metrics indicate poor data quality at this position in the gnomAD database. This sequence change replaces glutamic acid, which is acidic and polar, with lysine, which is basic and polar, at codon 24 of the NKX6-2 protein (p.Glu24Lys).

NM_177400.3(NKX6-2):c.70G>A (p.Glu24Lys)

Gene: NKX6-2 (NK6 homeobox 2; minus strand). Cytogenetic location: 10q26.3.
Variant type: single nucleotide variant.
Coding change: c.70G>A on transcript NM_177400.3 (MANE Select); coding-DNA position 70, G replaced by A.
Protein change: p.Glu24Lys; replaces glutamic acid 24 with lysine.
Molecular consequence: missense variant.
Genome position (GRCh38, 1-based): chr10:132,785,879, C>T on the plus strand (G>A on the coding strand, the complement: NKX6-2 is on the minus strand). VCF-style: chr10-132785879-C-T. GRCh37 (hg19) VCF-style: chr10-134599383-C-T.
Other names: short protein forms E24K.
Identifiers: ClinVar variation 2051096 (VCV002051096.4), dbSNP rs1305996652, ClinGen allele CA378772382.